The following is an entry in ClinVar:

NM_198407.2(GHSR):c.*1308T>G

Gene: GHSR (growth hormone secretagogue receptor; minus strand). Cytogenetic location: 3q26.31.
Variant type: single nucleotide variant.
Coding change: c.*1308T>G on transcript NM_198407.2 (MANE Select); 1308 bases downstream of the stop codon, T replaced by G.
Molecular consequence: 3 prime UTR variant.
Genome position (GRCh38, 1-based): chr3:172,443,853, A>C on the plus strand (T>G on the coding strand, the complement: GHSR is on the minus strand). VCF-style: chr3-172443853-A-C. GRCh37 (hg19) VCF-style: chr3-172161643-A-C.
Identifiers: ClinVar variation 344180 (VCV000344180.5), dbSNP rs73039028, ClinGen allele CA10617717.
Genomic context (GRCh38, chr3:172,443,853, plus strand): 5'-TCAGATAAGCAATGGGATATAAGCAGCAAAACTAATTTGGAGACAGGACACAGCATAGAC[A>C]TTTAAAAATAAATGGCTATAAGATTTTTGAAAGTTTTTAATATCAATAAGCAGTAGCATT-3'

ClinVar aggregate classification (germline): Benign (1 of 4 stars; one submission).

Conditions:
Short stature due to growth hormone secretagogue receptor deficiency (GHDP). Also called: Short stature due to GHSR deficiency. Identifiers: Orphanet 314811, MedGen C5887324, MONDO:0014403, OMIM 615925.

Allele frequency attached by ClinVar (database versions not stated): 1000 Genomes Project 0.02995; 1000 Genomes Project 30x 0.03154; gnomAD 0.02770; TOPMed 0.02926.
gnomAD v4.1: 3,875 of 152,254 alleles (2.5%); highest among the groups gnomAD compares: African/African-American, 8.9%; 165 homozygotes.

Submission:

Illumina Laboratory Services, Illumina
Classification: Benign for Short stature due to growth hormone secretagogue receptor deficiency. Last evaluated: 2018-01-13. Review status: criteria provided, single submitter. Criteria: ICSL Variant Classification Criteria 13 December 2019. Collection method: clinical testing. Allele origin: germline.
Comment: This variant was observed in the ICSL laboratory as part of a predisposition screen in an ostensibly healthy population. It had not been previously curated by ICSL or reported in the Human Gene Mutation Database (HGMD: prior to June 1st, 2018), and was therefore a candidate for classification through an automated scoring system. Utilizing variant allele frequency, disease prevalence and penetrance estimates, and inheritance mode, an automated score was calculated to assess if this variant is too frequent to cause the disease. Based on the score and internal cut-off values, a variant classified as benign is not then subjected to further curation. The score for this variant resulted in a classification of benign for this disease.